The following is an entry in ClinVar:

NM_000466.3(PEX1):c.2072C>T (p.Ala691Val)

Gene: PEX1 (peroxisomal biogenesis factor 1; minus strand). Cytogenetic location: 7q21.2.
Variant type: single nucleotide variant.
Coding change: c.2072C>T on transcript NM_000466.3 (MANE Select); coding-DNA position 2072, C replaced by T.
Protein change: p.Ala691Val; replaces alanine 691 with valine.
Molecular consequence: missense variant.
Genome position (GRCh38, 1-based): chr7:92,503,195, G>A on the plus strand (C>T on the coding strand, the complement: PEX1 is on the minus strand). VCF-style: chr7-92503195-G-A. GRCh37 (hg19) VCF-style: chr7-92132509-G-A.
Other names: c.1901C>T, p.Ala634Val (NM_001282677.2); c.1448C>T, p.Ala483Val (NM_001282678.2); short protein forms A691V, A483V, A634V.
Identifiers: ClinVar variation 360925 (VCV000360925.6), dbSNP rs150351763, ClinGen allele CA4341211.

ClinVar aggregate classification (germline): Uncertain significance. Review status: criteria provided, multiple submitters, no conflicts (2 of 4 stars). 2 submissions from 2 submitters: Uncertain significance (2). Last evaluated 2026-08-20.

Conditions:
Peroxisome biogenesis disorder 1A (Zellweger) (PBD1A). Also called: Peroxisome biogenesis disorder 1a; Zellweger leukodystrophy. Identifiers: MedGen C4721541, MONDO:0008953, OMIM 214100.
PEX1-related disorder. Also called: PEX1-related condition.

Allele frequency attached by ClinVar (database versions not stated): TOPMed below 0.00001; gnomAD exomes 0.00001 and 0.00002; ExAC 0.00002; ESP Exome Variant Server 0.00008.
gnomAD v4.1: 12 of 1,612,868 alleles (0.00074%); highest among the groups gnomAD compares: Non-Finnish European, 0.001%; no homozygotes.

Submissions (2):

PreventionGenetics, part of Exact Sciences
Classification: Uncertain significance for PEX1-related condition. Last evaluated: 2026-08-20. Review status: criteria provided, single submitter. Criteria: ACMG Guidelines, 2015. Collection method: clinical testing. Allele origin: germline.
Comment: The PEX1 c.2072C>T variant is predicted to result in the amino acid substitution p.Ala691Val. To our knowledge, this variant has not been reported in the literature. This variant is reported in 0.0035% of alleles in individuals of European (Non-Finnish) descent in gnomAD. At this time, the clinical significance of this variant is uncertain due to the absence of conclusive functional and genetic evidence.

Illumina Laboratory Services, Illumina
Classification: Uncertain significance for Peroxisome biogenesis disorder 1A (Zellweger). Last evaluated: 2018-01-13. Review status: criteria provided, single submitter. Criteria: ICSL Variant Classification Criteria 13 December 2019. Collection method: clinical testing. Allele origin: germline.